The following is an entry in ClinVar:

ClinVar aggregate classification (germline): Uncertain significance (1 of 4 stars; one submission).

Conditions:
Hypertrophic cardiomyopathy. Also called: HYPERTROPHIC MYOCARDIOPATHY. Identifiers: Orphanet 217569, MedGen C0007194, MeSH D002312, MONDO:0005045, HP:0001639.

Submission:

Labcorp Genetics (formerly Invitae), Labcorp
Classification: Uncertain significance for Hypertrophic cardiomyopathy. Last evaluated: 2024-08-19. Review status: criteria provided, single submitter. Criteria: Invitae Variant Classification Sherloc (09022015). Collection method: clinical testing. Allele origin: germline.
Comment: This sequence change replaces methionine, which is neutral and non-polar, with threonine, which is neutral and polar, at codon 1195 of the MYOM1 protein (p.Met1195Thr). This variant is not present in population databases (gnomAD no frequency). This variant has not been reported in the literature in individuals affected with MYOM1-related conditions. Invitae Evidence Modeling of protein sequence and biophysical properties (such as structural, functional, and spatial information, amino acid conservation, physicochemical variation, residue mobility, and thermodynamic stability) indicates that this missense variant is not expected to disrupt MYOM1 protein function with a negative predictive value of 80%. In summary, the available evidence is currently insufficient to determine the role of this variant in disease. Therefore, it has been classified as a Variant of Uncertain Significance.

NM_003803.4(MYOM1):c.3584T>C (p.Met1195Thr)

Gene: MYOM1 (myomesin 1; minus strand). Cytogenetic location: 18p11.31.
Variant type: single nucleotide variant.
Coding change: c.3584T>C on transcript NM_003803.4 (MANE Select); coding-DNA position 3584, T replaced by C.
Protein change: p.Met1195Thr; replaces methionine 1195 with threonine.
Molecular consequence: missense variant.
Genome position (GRCh38, 1-based): chr18:3,100,418, A>G on the plus strand (T>C on the coding strand, the complement: MYOM1 is on the minus strand). VCF-style: chr18-3100418-A-G. GRCh37 (hg19) VCF-style: chr18-3100416-A-G.
Other names: c.3296T>C, p.Met1099Thr (NM_019856.2); short protein forms M1099T, M1195T.
Identifiers: ClinVar variation 3683862 (VCV003683862.2).
Genomic context (GRCh38, chr18:3,100,418, plus strand): 5'-GTGTCTGTTACATCGCAAGAGTAAATACCCAAGTCATCCATCCCAAGGTCTTTGAAGGTC[A>G]TTTTCGTCCTTCGGAACAAAATATTTTTCTTAGAAATGAGGCTGTGTGGGATCTGTGGGC-3'
Protein context (NP_003794.3, residues 1185-1205): EVESKGNKTK[Met1195Thr]TFKDLGMDDL